The following is an entry in ClinVar:

ClinVar aggregate classification (germline): Uncertain significance. Review status: criteria provided, multiple submitters, no conflicts (2 of 4 stars). 2 submissions from 2 submitters: Uncertain significance (2). Last evaluated 2025-06-09.

Conditions:
Inborn genetic diseases. Identifiers: MedGen C0950123, MeSH D030342.

Allele frequency attached by ClinVar (database versions not stated): gnomAD 0.00001 and 0.00002; gnomAD exomes 0.00001 and 0.00007; TOPMed 0.00002; ExAC 0.00014; 1000 Genomes Project 30x 0.00047.
gnomAD v4.1: 13 of 1,534,808 alleles (0.00085%); highest among the groups gnomAD compares: East Asian, 0.032%; no homozygotes.

Submissions (2):

Labcorp Genetics (formerly Invitae), Labcorp
Classification: Uncertain significance. Last evaluated: 2025-06-09. Review status: criteria provided, single submitter. Criteria: Invitae Variant Classification Sherloc (09022015). Collection method: clinical testing. Allele origin: germline.
Comment: This sequence change replaces glutamic acid, which is acidic and polar, with valine, which is neutral and non-polar, at codon 62 of the PET100 protein (p.Glu62Val). This variant is present in population databases (rs746204531, gnomAD 0.08%). This variant has not been reported in the literature in individuals affected with PET100-related conditions. ClinVar contains an entry for this variant (Variation ID: 1419448). An algorithm developed to predict the effect of missense changes on protein structure and function (PolyPhen-2) suggests that this variant is likely to be disruptive. In summary, the available evidence is currently insufficient to determine the role of this variant in disease. Therefore, it has been classified as a Variant of Uncertain Significance.

Ambry Genetics
Classification: Uncertain significance for Inborn genetic diseases. Last evaluated: 2024-02-21. Review status: criteria provided, single submitter. Criteria: Ambry Variant Classification Scheme 2023. Collection method: clinical testing. Allele origin: germline.

NM_001171155.2(PET100):c.185A>T (p.Glu62Val)

Genes: PET100 (PET100 cytochrome c oxidase chaperone; plus strand), STXBP2 (syntaxin binding protein 2; plus strand). Cytogenetic location: 19p13.2.
Variant type: single nucleotide variant.
Coding change: c.185A>T on transcript NM_001171155.2 (MANE Select); coding-DNA position 185, A replaced by T.
Protein change: p.Glu62Val; replaces glutamic acid 62 with valine.
Molecular consequence: missense variant. On other transcripts: non-coding transcript variant (1).
Genome position (GRCh38, 1-based): chr19:7,631,519, A>T. VCF-style: chr19-7631519-A-T. GRCh37 (hg19) VCF-style: chr19-7696405-A-T.
Other names: c.185A>T (NM_001171155.1); short protein forms E62V.
Identifiers: ClinVar variation 1419448 (VCV001419448.5), dbSNP rs746204531, ClinGen allele CA9142872.